The following is an entry in ClinVar:

NM_032776.3(JMJD1C):c.4774A>G (p.Ser1592Gly)

Gene: JMJD1C (jumonji domain containing 1C; minus strand). Cytogenetic location: 10q21.3.
Variant type: single nucleotide variant.
Coding change: c.4774A>G on transcript NM_032776.3 (MANE Select); coding-DNA position 4774, A replaced by G.
Protein change: p.Ser1592Gly; replaces serine 1592 with glycine.
Molecular consequence: missense variant. On other transcripts: non-coding transcript variant (1).
Genome position (GRCh38, 1-based): chr10:63,206,895, T>C on the plus strand (A>G on the coding strand, the complement: JMJD1C is on the minus strand). VCF-style: chr10-63206895-T-C. GRCh37 (hg19) VCF-style: chr10-64966655-T-C.
Other names: c.4228A>G, p.Ser1410Gly (NM_001282948.2, NM_001318154.2); c.3910A>G, p.Ser1304Gly (NM_001318153.2); c.4660A>G, p.Ser1554Gly (NM_001322252.2); c.4117A>G, p.Ser1373Gly (NM_001322254.2, NM_001322258.2); short protein forms S1304G, S1373G, S1410G, S1554G, S1592G.
Identifiers: ClinVar variation 1056607 (VCV001056607.9), dbSNP rs2133143146, ClinGen allele CA377036510.

ClinVar aggregate classification (germline): Uncertain significance (1 of 4 stars; one submission).

Conditions:
Early Myoclonic Encephalopathy. Identifiers: MedGen C0270855.

Submission:

Labcorp Genetics (formerly Invitae), Labcorp
Classification: Uncertain significance for Early Myoclonic Encephalopathy. Last evaluated: 2020-03-06. Review status: criteria provided, single submitter. Criteria: Invitae Variant Classification Sherloc (09022015). Collection method: clinical testing. Allele origin: germline.
Comment: In summary, the available evidence is currently insufficient to determine the role of this variant in disease. Therefore, it has been classified as a Variant of Uncertain Significance. Algorithms developed to predict the effect of missense changes on protein structure and function (SIFT, PolyPhen-2, Align-GVGD) all suggest that this variant is likely to be tolerated, but these predictions have not been confirmed by published functional studies and their clinical significance is uncertain. This variant has not been reported in the literature in individuals with JMJD1C-related conditions. This variant is not present in population databases (ExAC no frequency). This sequence change replaces serine with glycine at codon 1592 of the JMJD1C protein (p.Ser1592Gly). The serine residue is weakly conserved and there is a small physicochemical difference between serine and glycine.